The following is an entry in ClinVar:

ClinVar aggregate classification (germline): Likely benign. Review status: criteria provided, multiple submitters, no conflicts (2 of 4 stars). 4 submissions from 4 submitters: Likely benign (4). Last evaluated 2026-06-08.

Conditions:
Cardiovascular phenotype. Identifiers: MedGen CN230736.
LAMP2-related disorder. Also called: LAMP2-related condition.
Danon disease. Also called: ANTOPOL DISEASE; PSEUDOGLYCOGENOSIS II; GSD IIb; LYSOSOMAL GLYCOGEN STORAGE DISEASE WITHOUT ACID MALTASE DEFICIENCY; Glycogen Storage Disease Type IIb. Identifiers: Orphanet 34587, MedGen C0878677, MONDO:0010281, OMIM 300257.

Allele frequency attached by ClinVar (database versions not stated): gnomAD exomes below 0.00001 and 0.00001; gnomAD 0.00005; ExAC 0.00001; TOPMed 0.00004.
gnomAD v4.1: 7 of 1,208,129 alleles (0.00058%); highest among the groups gnomAD compares: African/African-American, 0.012%; no homozygotes.

Submissions (4):

Women's Health and Genetics/Laboratory Corporation of America, LabCorp
Classification: Likely benign. Last evaluated: 2026-06-08. Review status: criteria provided, single submitter. Criteria: LabCorp Variant Classification Summary - May 2015. Collection method: clinical testing. Allele origin: germline.

PreventionGenetics, part of Exact Sciences
Classification: Likely benign for LAMP2-related condition. Last evaluated: 2026-01-06. Review status: criteria provided, single submitter. Criteria: ACMG Guidelines, 2015. Collection method: clinical testing. Allele origin: germline.
Comment: This variant is classified as likely benign based on ACMG/AMP sequence variant interpretation guidelines (Richards et al. 2015 PMID: 25741868, with internal and published modifications).

Labcorp Genetics (formerly Invitae), Labcorp
Classification: Likely benign for Danon disease. Last evaluated: 2026-01-04. Review status: criteria provided, single submitter. Criteria: Invitae Variant Classification Sherloc (09022015). Collection method: clinical testing. Allele origin: germline.

Ambry Genetics
Classification: Likely benign for Cardiovascular phenotype. Last evaluated: 2021-10-11. Review status: criteria provided, single submitter. Criteria: Ambry Variant Classification Scheme 2023. Collection method: clinical testing. Allele origin: germline.

NM_002294.3(LAMP2):c.264A>T (p.Ile88=)

Gene: LAMP2 (lysosome associated membrane protein 2; minus strand). Cytogenetic location: Xq24.
Variant type: single nucleotide variant.
Coding change: c.264A>T on transcript NM_002294.3 (MANE Select); coding-DNA position 264, A replaced by T.
Protein change: p.Ile88=; no amino-acid change (isoleucine 88 retained).
Molecular consequence: synonymous variant.
Genome position (GRCh38, 1-based): chrX:120,455,490, T>A on the plus strand (A>T on the coding strand, the complement: LAMP2 is on the minus strand). VCF-style: chrX-120455490-T-A. GRCh37 (hg19) VCF-style: chrX-119589345-T-A.
Other names: c.264A>T, p.Ile88= (NM_001122606.1, NM_013995.2).
Identifiers: ClinVar variation 415502 (VCV000415502.13), dbSNP rs779524035, ClinGen allele CA10505327.